The following is an entry in ClinVar:

ClinVar aggregate classification (germline): Uncertain significance (1 of 4 stars; one submission).

Conditions:
Familial hemiplegic migraine. Identifiers: MedGen C0338484, MONDO:0000700.

gnomAD v4.1: 1 of 1,613,812 alleles (0.000062%); highest among the groups gnomAD compares: Non-Finnish European, 0.000085%; no homozygotes.

Submission:

Labcorp Genetics (formerly Invitae), Labcorp
Classification: Uncertain significance for Familial hemiplegic migraine. Last evaluated: 2024-03-07. Review status: criteria provided, single submitter. Criteria: Invitae Variant Classification Sherloc (09022015). Collection method: clinical testing. Allele origin: germline.
Comment: This sequence change replaces proline, which is neutral and non-polar, with alanine, which is neutral and non-polar, at codon 1010 of the ATP1A2 protein (p.Pro1010Ala). This variant is not present in population databases (gnomAD no frequency). This variant has not been reported in the literature in individuals affected with ATP1A2-related conditions. Advanced modeling of protein sequence and biophysical properties (such as structural, functional, and spatial information, amino acid conservation, physicochemical variation, residue mobility, and thermodynamic stability) performed at Invitae indicates that this missense variant is expected to disrupt ATP1A2 protein function with a positive predictive value of 95%. In summary, the available evidence is currently insufficient to determine the role of this variant in disease. Therefore, it has been classified as a Variant of Uncertain Significance.

NM_000702.4(ATP1A2):c.3028C>G (p.Pro1010Ala)

Gene: ATP1A2 (ATPase Na+/K+ transporting subunit alpha 2; plus strand). Cytogenetic location: 1q23.2.
Variant type: single nucleotide variant.
Coding change: c.3028C>G on transcript NM_000702.4 (MANE Select); coding-DNA position 3028, C replaced by G.
Protein change: p.Pro1010Ala; replaces proline 1010 with alanine.
Molecular consequence: missense variant.
Genome position (GRCh38, 1-based): chr1:160,139,978, C>G. VCF-style: chr1-160139978-C-G. GRCh37 (hg19) VCF-style: chr1-160109768-C-G.
Other names: short protein forms P1010A.
Identifiers: ClinVar variation 3633647 (VCV003633647.2).
Genomic context (GRCh38, chr1:160,139,978, plus strand): 5'-CCCTACAGCCTCCTCATCTTCATCTATGATGAGGTCCGAAAGCTCATCCTGCGGCGGTAT[C>G]CTGGTGGTAAGCCCCTCCACATTCCCCCCAGCAAAGTGCAAGCCCCACCACCAGCTCCTC-3'
Protein context (NP_000693.1, residues 1000-1020): EVRKLILRRY[Pro1010Ala]GGWVEKETYY